The following is an entry in ClinVar:

ClinVar aggregate classification (germline): Uncertain significance. Review status: criteria provided, multiple submitters, no conflicts (2 of 4 stars). 2 submissions from 2 submitters: Uncertain significance (2). Last evaluated 2025-08-23.

Conditions:
Hereditary cancer-predisposing syndrome. Also called: Tumor predisposition; Neoplastic Syndromes, Hereditary; Hereditary Cancer Syndrome; Hereditary neoplastic syndrome. Identifiers: Orphanet 140162, MedGen C0027672, MeSH D009386, MONDO:0015356.

Allele frequency attached by ClinVar (database versions not stated): gnomAD exomes below 0.00001; ExAC 0.00001; gnomAD 0.00001.
gnomAD v4.1: 1 of 1,614,028 alleles (0.000062%); highest among the groups gnomAD compares: Non-Finnish European, 0.000085%; no homozygotes.

Submissions (2):

Labcorp Genetics (formerly Invitae), Labcorp
Classification: Uncertain significance. Last evaluated: 2025-08-23. Review status: criteria provided, single submitter. Criteria: Invitae Variant Classification Sherloc (09022015). Collection method: clinical testing. Allele origin: germline.
Comment: This sequence change replaces serine, which is neutral and polar, with phenylalanine, which is neutral and non-polar, at codon 64 of the CTNNA1 protein (p.Ser64Phe). This variant is present in population databases (rs774398928, gnomAD 0.0009%). This variant has not been reported in the literature in individuals affected with CTNNA1-related conditions. ClinVar contains an entry for this variant (Variation ID: 1385528). Invitae Evidence Modeling of protein sequence and biophysical properties (such as structural, functional, and spatial information, amino acid conservation, physicochemical variation, residue mobility, and thermodynamic stability) indicates that this missense variant is expected to disrupt CTNNA1 protein function with a positive predictive value of 80%. In summary, the available evidence is currently insufficient to determine the role of this variant in disease. Therefore, it has been classified as a Variant of Uncertain Significance.

Ambry Genetics
Classification: Uncertain significance for Hereditary cancer-predisposing syndrome. Last evaluated: 2021-12-20. Review status: criteria provided, single submitter. Criteria: Ambry Variant Classification Scheme 2023. Collection method: clinical testing. Allele origin: germline.
Comment: The p.S64F variant (also known as c.191C>T), located in coding exon 2 of the CTNNA1 gene, results from a C to T substitution at nucleotide position 191. The serine at codon 64 is replaced by phenylalanine, an amino acid with highly dissimilar properties. This amino acid position is highly conserved in available vertebrate species. In addition, this alteration is predicted to be deleterious by in silico analysis. The evidence for this gene-disease relationship is limited; therefore, the clinical significance of this alteration is unclear.

NM_001903.5(CTNNA1):c.191C>T (p.Ser64Phe)

Gene: CTNNA1 (catenin alpha 1; plus strand). Cytogenetic location: 5q31.2.
Variant type: single nucleotide variant.
Coding change: c.191C>T on transcript NM_001903.5 (MANE Select); coding-DNA position 191, C replaced by T.
Protein change: p.Ser64Phe; replaces serine 64 with phenylalanine.
Molecular consequence: missense variant. On other transcripts: 5 prime UTR variant (1), intron variant (1).
Genome position (GRCh38, 1-based): chr5:138,783,262, C>T. VCF-style: chr5-138783262-C-T. GRCh37 (hg19) VCF-style: chr5-138118951-C-T.
Other names: c.191C>T, p.Ser64Phe (NM_001290307.3, NM_001323982.2, NM_001323983.1 and 3 more transcripts); c.-16C>T (NM_001290310.3); c.-9+1233C>T (NM_001290309.3); short protein forms S64F.
Identifiers: ClinVar variation 1385528 (VCV001385528.10), dbSNP rs774398928, ClinGen allele CA3431373.